The following is an entry in ClinVar:

ClinVar aggregate classification (germline): Uncertain significance. Review status: criteria provided, multiple submitters, no conflicts (2 of 4 stars). 2 submissions from 2 submitters: Uncertain significance (2). Last evaluated 2025-08-29.

Conditions:
Inborn genetic diseases. Identifiers: MedGen C0950123, MeSH D030342.

Allele frequency attached by ClinVar (database versions not stated): gnomAD exomes 0.00001; TOPMed below 0.00001.
gnomAD v4.1: 6 of 1,613,930 alleles (0.00037%); highest among the groups gnomAD compares: Non-Finnish European, 0.00042%; no homozygotes.

Submissions (2):

Ambry Genetics
Classification: Uncertain significance for Inborn genetic diseases. Last evaluated: 2025-08-29. Review status: criteria provided, single submitter. Criteria: Ambry Variant Classification Scheme 2023. Collection method: clinical testing. Allele origin: germline.

Labcorp Genetics (formerly Invitae), Labcorp
Classification: Uncertain significance. Last evaluated: 2025-02-09. Review status: criteria provided, single submitter. Criteria: Invitae Variant Classification Sherloc (09022015). Collection method: clinical testing. Allele origin: germline.
Comment: This sequence change replaces glycine, which is neutral and non-polar, with arginine, which is basic and polar, at codon 659 of the COL9A2 protein (p.Gly659Arg). This variant is present in population databases (no rsID available, gnomAD 0.01%). This variant has not been reported in the literature in individuals affected with COL9A2-related conditions. ClinVar contains an entry for this variant (Variation ID: 3005046). An algorithm developed to predict the effect of missense changes on protein structure and function (PolyPhen-2) suggests that this variant is likely to be disruptive. In summary, the available evidence is currently insufficient to determine the role of this variant in disease. Therefore, it has been classified as a Variant of Uncertain Significance.

NM_001852.4(COL9A2):c.1975G>C (p.Gly659Arg)

Gene: COL9A2 (collagen type IX alpha 2 chain; minus strand). Cytogenetic location: 1p34.2.
Variant type: single nucleotide variant.
Coding change: c.1975G>C on transcript NM_001852.4 (MANE Select); coding-DNA position 1975, G replaced by C.
Protein change: p.Gly659Arg; replaces glycine 659 with arginine.
Molecular consequence: missense variant.
Genome position (GRCh38, 1-based): chr1:40,301,277, C>G on the plus strand (G>C on the coding strand, the complement: COL9A2 is on the minus strand). VCF-style: chr1-40301277-C-G. GRCh37 (hg19) VCF-style: chr1-40766949-C-G.
Other names: c.1975G>C (NM_001852.3); short protein forms G659R.
Identifiers: ClinVar variation 3005046 (VCV003005046.4), dbSNP rs1272534243, ClinGen allele CA339873961.